The following is an entry in ClinVar:

NM_000082.4(ERCC8):c.1117G>T (p.Asp373Tyr)

Gene: ERCC8 (ERCC excision repair 8, CSA ubiquitin ligase complex subunit; minus strand). Cytogenetic location: 5q12.1.
Variant type: single nucleotide variant.
Coding change: c.1117G>T on transcript NM_000082.4 (MANE Select); coding-DNA position 1117, G replaced by T.
Protein change: p.Asp373Tyr; replaces aspartic acid 373 with tyrosine.
Molecular consequence: missense variant.
Genome position (GRCh38, 1-based): chr5:60,887,445, C>A on the plus strand (G>T on the coding strand, the complement: ERCC8 is on the minus strand). VCF-style: chr5-60887445-C-A. GRCh37 (hg19) VCF-style: chr5-60183272-C-A.
Other names: c.943G>T, p.Asp315Tyr (NM_001007233.3); c.658G>T, p.Asp220Tyr (NM_001290285.2); short protein forms D315Y, D220Y, D373Y.
Identifiers: ClinVar variation 2063484 (VCV002063484.2), dbSNP rs201915477, ClinGen allele CA3277621.

ClinVar aggregate classification (germline): Uncertain significance. Review status: criteria provided, multiple submitters, no conflicts (2 of 4 stars). 2 submissions from 2 submitters: Uncertain significance (2). Last evaluated 2024-09-24.

Conditions:
Inborn genetic diseases. Identifiers: MedGen C0950123, MeSH D030342.

Allele frequency attached by ClinVar (database versions not stated): gnomAD 0.00003; TOPMed 0.00006; ExAC 0.00014; 1000 Genomes Project 30x 0.00016; 1000 Genomes Project 0.00020.
gnomAD v4.1: 44 of 1,609,842 alleles (0.0027%); highest among the groups gnomAD compares: Admixed American, 0.073%; no homozygotes.

Submissions (2):

Ambry Genetics
Classification: Uncertain significance for Inborn genetic diseases. Last evaluated: 2024-09-24. Review status: criteria provided, single submitter. Criteria: Ambry Variant Classification Scheme 2023. Collection method: clinical testing. Allele origin: germline.

Labcorp Genetics (formerly Invitae), Labcorp
Classification: Uncertain significance. Last evaluated: 2022-08-22. Review status: criteria provided, single submitter. Criteria: Invitae Variant Classification Sherloc (09022015). Collection method: clinical testing. Allele origin: germline.
Comment: This sequence change replaces aspartic acid, which is acidic and polar, with tyrosine, which is neutral and polar, at codon 373 of the ERCC8 protein (p.Asp373Tyr). This variant is present in population databases (rs201915477, gnomAD 0.1%). This variant has not been reported in the literature in individuals affected with ERCC8-related conditions. Algorithms developed to predict the effect of missense changes on protein structure and function are either unavailable or do not agree on the potential impact of this missense change (SIFT: "Deleterious"; PolyPhen-2: "Benign"; Align-GVGD: "Class C0"). In summary, the available evidence is currently insufficient to determine the role of this variant in disease. Therefore, it has been classified as a Variant of Uncertain Significance.